The following is an entry in ClinVar:

NM_007294.4(BRCA1):c.3255dup (p.Leu1086fs)

Genes: BRCA1 (BRCA1 DNA repair associated; minus strand), LOC126862571 (BRD4-independent group 4 enhancer GRCh37_chr17:41243136-41244335; plus strand). Cytogenetic location: 17q21.31.
Variant type: Duplication.
Coding change: c.3255dup on transcript NM_007294.4 (MANE Select); coding-DNA position 3255, one base duplicated (A; older notation c.3255dupA).
Protein change: p.Leu1086fs; shifts the reading frame from leucine 1086.
Molecular consequence: frameshift variant. On other transcripts: intron variant (137).
Genome position (GRCh38, 1-based): chr17:43,092,276, T duplicated on the plus strand (A on the coding strand, the reverse complement: BRCA1 is on the minus strand). VCF-style (leftmost placement, unchanged base first): chr17-43092275-A-AT. GRCh37 (hg19) VCF-style: chr17-41244292-A-AT.
Other names: 3373insA; c.3255dupA (NM_007294.3); c.3042dup, p.Leu1015fs (NM_001407571.1, NM_001407853.1, NM_001407894.1 and 9 more transcripts); c.3255dup, p.Leu1086fs (NM_001407581.1, NM_001407582.1, NM_001407583.1 and 30 more transcripts); c.3252dup, p.Leu1085fs (NM_001407587.1, NM_001407590.1, NM_001407591.1 and 22 more transcripts); c.3246dup, p.Leu1083fs (NM_001407646.1, NM_001407647.1); c.3132dup, p.Leu1045fs (NM_001407648.1, NM_001407664.1, NM_001407665.1 and 19 more transcripts); c.3129dup, p.Leu1044fs (NM_001407649.1, NM_001407670.1, NM_001407671.1 and 11 more transcripts); and 43 more; short protein forms L1039fs, L1086fs, L1085fs, L790fs, L998fs, L1015fs, L1016fs, L1045fs.
Identifiers: ClinVar variation 54807 (VCV000054807.4), dbSNP rs1555588090, ClinGen allele CA002102.

ClinVar aggregate classification (germline): Pathogenic. Review status: reviewed by expert panel (3 of 4 stars). 3 submissions from 3 submitters: Pathogenic (1). 2 of the submissions do not count toward it. Last evaluated 2016-09-08.

Conditions:
Hereditary breast ovarian cancer syndrome. Also called: Hereditary breast and ovarian cancer syndrome (HBOC); Hereditary breast and ovarian cancer syndrome; Hereditary breast and ovarian cancer; Hereditary breast and/or ovarian cancer syndrome; Breast and ovarian cancer; BRCA1- and BRCA2-Associated Hereditary Breast and Ovarian Cancer. Identifiers: Orphanet 145, MedGen C0677776, MeSH D061325, MONDO:0003582. Disease mechanism: loss of function.
Breast-ovarian cancer, familial, susceptibility to, 1 (BROVCA1). Also called: OVARIAN CANCER, SUSCEPTIBILITY TO; BRCA1 Hereditary Breast and Ovarian Cancer. Identifiers: Orphanet 145, MedGen C2676676, MONDO:0011450, OMIM 604370. Disease mechanism: loss of function.

Submissions (3):

Evidence-based Network for the Interpretation of Germline Mutant Alleles (ENIGMA)
Classification: Pathogenic for Breast-ovarian cancer, familial, susceptibility to, 1. Last evaluated: 2016-09-08. Review status: reviewed by expert panel. Criteria: ENIGMA BRCA1/2 Classification Criteria (2015). Collection method: curation. Allele origin: germline.
Comment: Variant allele predicted to encode a truncated non-functional protein.

Research Molecular Genetics Laboratory, Women's College Hospital, University of Toronto
Classification: Pathogenic for Hereditary breast ovarian cancer syndrome. Last evaluated: 2014-01-31. Review status: no assertion criteria provided. Collection method: research. Allele origin: germline. Affected: yes. Study: The Canadian Open Genetics Repository (COGR). Not counted in ClinVar's aggregate classification.

Breast Cancer Information Core (BIC) (BRCA1)
Classification: Pathogenic for Breast-ovarian cancer, familial 1. Last evaluated: 1999-06-22. Review status: no assertion criteria provided. Collection method: clinical testing. Allele origin: germline. Affected: yes. Observed: 1 variant allele. Not counted in ClinVar's aggregate classification.